The following is an entry in ClinVar:

ClinVar aggregate classification (germline): Conflicting classifications of pathogenicity. Review status: criteria provided, conflicting classifications (1 of 4 stars). 2 submissions from 1 submitter: Uncertain significance (1); Likely benign (1). Last evaluated 2018-01-12.

Conditions:
Susceptibility to mononeuropathy of the median nerve, mild. Also called: CARPAL TUNNEL SYNDROME, SUSCEPTIBILITY TO. Identifiers: MedGen C3150596, MONDO:0013237, OMIM 613353.
Charcot-Marie-Tooth disease type 4C (CMT4C). Also called: CHARCOT-MARIE-TOOTH DISEASE, DEMYELINATING, AUTOSOMAL RECESSIVE, TYPE 4C; CMT 4C; Charcot-Marie-Tooth Neuropathy Type 4C (CMT4C); CHARCOT-MARIE-TOOTH DISEASE, DEMYELINATING, TYPE 4C; SH3TC2-Related Hereditary Motor and Sensory Neuropathy. Identifiers: Orphanet 99949, MedGen C1866636, MONDO:0011113, OMIM 601596.

Allele frequency attached by ClinVar (database versions not stated): 1000 Genomes Project 30x 0.00125; 1000 Genomes Project 0.00140; gnomAD 0.00155 and 0.00168; TOPMed 0.00178.

Submissions (2):

Illumina Laboratory Services, Illumina
Classification: Uncertain significance for Charcot-Marie-Tooth disease type 4C. Last evaluated: 2018-01-12. Review status: criteria provided, single submitter. Criteria: ICSL Variant Classification Criteria 13 December 2019. Collection method: clinical testing. Allele origin: germline.

Illumina Laboratory Services, Illumina
Classification: Likely benign for Susceptibility to mononeuropathy of the median nerve, mild. Last evaluated: 2018-01-12. Review status: criteria provided, single submitter. Criteria: ICSL Variant Classification Criteria 13 December 2019. Collection method: clinical testing. Allele origin: germline.
Comment: This variant was observed in the ICSL laboratory as part of a predisposition screen in an ostensibly healthy population. It had not been previously curated by ICSL or reported in the Human Gene Mutation Database (HGMD: prior to June 1st, 2018), and was therefore a candidate for classification through an automated scoring system. Utilizing variant allele frequency, disease prevalence and penetrance estimates, and inheritance mode, an automated score was calculated to assess if this variant is too frequent to cause the disease. Based on the score and internal cut-off values, a variant classified as likely benign is not then subjected to further curation. The score for this variant resulted in a classification of likely benign for this disease.

NM_024577.4(SH3TC2):c.*3058A>G

Gene: SH3TC2 (SH3 domain and tetratricopeptide repeats 2; minus strand). Cytogenetic location: 5q32.
Variant type: single nucleotide variant.
Coding change: c.*3058A>G on transcript NM_024577.4 (MANE Select); 3058 bases downstream of the stop codon, A replaced by G.
Molecular consequence: 3 prime UTR variant.
Genome position (GRCh38, 1-based): chr5:149,001,653, T>C on the plus strand (A>G on the coding strand, the complement: SH3TC2 is on the minus strand). VCF-style: chr5-149001653-T-C. GRCh37 (hg19) VCF-style: chr5-148381216-T-C.
Identifiers: ClinVar variation 351845 (VCV000351845.5), dbSNP rs563916447, ClinGen allele CA10620711.
Genomic context (GRCh38, chr5:149,001,653, plus strand): 5'-ATGAAAATTTTAAACACTTTTTAAAAGAGTTTTAGCAAGCGGTTTACATATAGAATGTAG[T>C]AATTGCAATTATATAGCACAATGTTTTTCTTATTTTAAAAAAATAGTCTTACCCTTGTCT-3'